The following is an entry in ClinVar:

ClinVar aggregate classification (germline): Uncertain significance. Review status: criteria provided, multiple submitters, no conflicts (2 of 4 stars). 3 submissions from 3 submitters: Uncertain significance (3). Last evaluated 2023-05-09.

Conditions:
Inborn genetic diseases. Identifiers: MedGen C0950123, MeSH D030342.
Neuronopathy, distal hereditary motor, autosomal recessive 4. Also called: Autosomal recessive lower motor neuron disease with childhood onset; NEUROPATHY, DISTAL HEREDITARY MOTOR, AUTOSOMAL RECESSIVE 4. Identifiers: Orphanet 206580, MedGen C1970211, MONDO:0012608, OMIM 611067.
Charcot-Marie-Tooth disease recessive intermediate C. Also called: CHARCOT-MARIE-TOOTH NEUROPATHY, RECESSIVE INTERMEDIATE C. Identifiers: Orphanet 369867, MedGen C3809309, MONDO:0014154, OMIM 615376.

Allele frequency attached by ClinVar (database versions not stated): ExAC 0.00003; gnomAD exomes 0.00003 and 0.00008; gnomAD 0.00004; TOPMed 0.00005.
gnomAD v4.1: 115 of 1,613,752 alleles (0.0071%); highest among the groups gnomAD compares: Non-Finnish European, 0.0093%; no homozygotes.

Submissions (3):

Ambry Genetics
Classification: Uncertain significance for Inborn genetic diseases. Last evaluated: 2023-05-09. Review status: criteria provided, single submitter. Criteria: Ambry Variant Classification Scheme 2023. Collection method: clinical testing. Allele origin: germline.

Labcorp Genetics (formerly Invitae), Labcorp
Classification: Uncertain significance for Neuronopathy, distal hereditary motor, autosomal recessive 4; Charcot-Marie-Tooth disease recessive intermediate C. Last evaluated: 2022-07-19. Review status: criteria provided, single submitter. Criteria: Invitae Variant Classification Sherloc (09022015). Collection method: clinical testing. Allele origin: germline.
Comment: This sequence change replaces arginine, which is basic and polar, with cysteine, which is neutral and slightly polar, at codon 144 of the PLEKHG5 protein (p.Arg144Cys). This variant is present in population databases (rs778272514, gnomAD 0.007%). This variant has not been reported in the literature in individuals affected with PLEKHG5-related conditions. ClinVar contains an entry for this variant (Variation ID: 297974). Algorithms developed to predict the effect of missense changes on protein structure and function are either unavailable or do not agree on the potential impact of this missense change (SIFT: "Deleterious"; PolyPhen-2: "Possibly Damaging"; Align-GVGD: "Class C0"). In summary, the available evidence is currently insufficient to determine the role of this variant in disease. Therefore, it has been classified as a Variant of Uncertain Significance.

Illumina Laboratory Services, Illumina
Classification: Uncertain significance for Neuronopathy, distal hereditary motor, autosomal recessive 4. Last evaluated: 2018-01-13. Review status: criteria provided, single submitter. Criteria: ICSL Variant Classification Criteria 13 December 2019. Collection method: clinical testing. Allele origin: germline.

NM_020631.6(PLEKHG5):c.430C>T (p.Arg144Cys)

Gene: PLEKHG5 (pleckstrin homology and RhoGEF domain containing G5; minus strand). Cytogenetic location: 1p36.31.
Variant type: single nucleotide variant.
Coding change: c.430C>T on transcript NM_020631.6 (MANE Select); coding-DNA position 430, C replaced by T.
Protein change: p.Arg144Cys; replaces arginine 144 with cysteine.
Molecular consequence: missense variant.
Genome position (GRCh38, 1-based): chr1:6,474,460, G>A on the plus strand (C>T on the coding strand, the complement: PLEKHG5 is on the minus strand). VCF-style: chr1-6474460-G-A. GRCh37 (hg19) VCF-style: chr1-6534520-G-A.
Other names: c.541C>T, p.Arg181Cys (NM_001042663.3, NM_001265592.2); c.430C>T, p.Arg144Cys (NM_001042664.2, NM_001042665.2, NM_001265594.3 and 1 more transcripts); c.637C>T, p.Arg213Cys (NM_001265593.2); short protein forms R144C, R213C, R181C.
Identifiers: ClinVar variation 297974 (VCV000297974.11), dbSNP rs778272514, ClinGen allele CA561863.